The following is an entry in ClinVar:

ClinVar aggregate classification (germline): Uncertain significance. Review status: criteria provided, multiple submitters, no conflicts (2 of 4 stars). 3 submissions from 3 submitters: Uncertain significance (3). Last evaluated 2025-12-08.

Allele frequency attached by ClinVar (database versions not stated): ESP Exome Variant Server 0.00008; gnomAD exomes 0.00010; TOPMed 0.00011; gnomAD 0.00014; ExAC 0.00017.
gnomAD v4.1: 176 of 1,611,138 alleles (0.011%); highest among the groups gnomAD compares: Middle Eastern, 0.05%; no homozygotes.

Submissions (3):

Labcorp Genetics (formerly Invitae), Labcorp
Classification: Uncertain significance. Last evaluated: 2025-12-08. Review status: criteria provided, single submitter. Criteria: Invitae Variant Classification Sherloc (09022015). Collection method: clinical testing. Allele origin: germline.
Comment: This sequence change replaces histidine, which is basic and polar, with tyrosine, which is neutral and polar, at codon 3130 of the LAMA5 protein (p.His3130Tyr). This variant is present in population databases (rs201154340, gnomAD 0.08%). This missense change has been observed in individual(s) with clinical features of Alport syndrome (PMID: 30808327). ClinVar contains an entry for this variant (Variation ID: 2148630). Invitae Evidence Modeling of protein sequence and biophysical properties (such as structural, functional, and spatial information, amino acid conservation, physicochemical variation, residue mobility, and thermodynamic stability) indicates that this missense variant is expected to disrupt LAMA5 protein function with a positive predictive value of 80%. In summary, the available evidence is currently insufficient to determine the role of this variant in disease. Therefore, it has been classified as a Variant of Uncertain Significance.

CeGaT Center for Human Genetics Tuebingen
Classification: Uncertain significance. Last evaluated: 2025-10-01. Review status: criteria provided, single submitter. Criteria: CeGaT Center For Human Genetics Tuebingen Variant Classification Criteria Version 2. Collection method: clinical testing. Allele origin: germline. Affected: yes. Observed: 2 variant alleles.
Comment: LAMA5: PM2

Mayo Clinic Laboratories, Mayo Clinic
Classification: Uncertain significance. Last evaluated: 2023-11-15. Review status: criteria provided, single submitter. Criteria: ACMG Guidelines, 2015. Collection method: clinical testing. Allele origin: germline. Observed: 1 variant allele.
Comment: BP4

Literature cited by the submitters: PubMed 30808327 (cited by Labcorp Genetics (formerly Invitae), Labcorp and Mayo Clinic Laboratories, Mayo Clinic); PubMed 37761826 (cited by Mayo Clinic Laboratories, Mayo Clinic).

NM_005560.6(LAMA5):c.9388C>T (p.His3130Tyr)

Gene: LAMA5 (laminin subunit alpha 5; minus strand). Cytogenetic location: 20q13.33.
Variant type: single nucleotide variant.
Coding change: c.9388C>T on transcript NM_005560.6 (MANE Select); coding-DNA position 9388, C replaced by T.
Protein change: p.His3130Tyr; replaces histidine 3130 with tyrosine.
Molecular consequence: missense variant.
Genome position (GRCh38, 1-based): chr20:62,312,289, G>A on the plus strand (C>T on the coding strand, the complement: LAMA5 is on the minus strand). VCF-style: chr20-62312289-G-A. GRCh37 (hg19) VCF-style: chr20-60887345-G-A.
Other names: p.His3130Tyr; short protein forms H3130Y.
Identifiers: ClinVar variation 2148630 (VCV002148630.18), dbSNP rs201154340, ClinGen allele CA9940260.